The following is an entry in ClinVar:

ClinVar aggregate classification (germline): Benign/Likely benign. Review status: criteria provided, multiple submitters, no conflicts (2 of 4 stars). 2 submissions from 2 submitters: Benign (1); Likely benign (1). Last evaluated 2026-02-27.

Conditions:
Early-infantile DEE. Also called: Early infantile epileptic encephalopathy; Ohtahara syndrome; Early infantile epileptic encephalopathy with suppression bursts. Identifiers: Orphanet 1934, MedGen C0393706, MONDO:0800491.
KCNH5-related disorder. Also called: KCNH5-related condition.

Allele frequency attached by ClinVar (database versions not stated): TOPMed 0.00015.
gnomAD v4.1: 250 of 1,613,990 alleles (0.015%); highest among the groups gnomAD compares: Non-Finnish European, 0.02%; no homozygotes.

Submissions (2):

PreventionGenetics, part of Exact Sciences
Classification: Likely benign for KCNH5-related condition. Last evaluated: 2026-02-27. Review status: criteria provided, single submitter. Criteria: ACMG Guidelines, 2015. Collection method: clinical testing. Allele origin: germline.
Comment: This variant is classified as likely benign based on ACMG/AMP sequence variant interpretation guidelines (Richards et al. 2015 PMID: 25741868, with internal and published modifications).

Labcorp Genetics (formerly Invitae), Labcorp
Classification: Benign for Early-infantile DEE. Last evaluated: 2026-01-26. Review status: criteria provided, single submitter. Criteria: Invitae Variant Classification Sherloc (09022015). Collection method: clinical testing. Allele origin: germline.

NM_139318.5(KCNH5):c.2632G>A (p.Ala878Thr)

Gene: KCNH5 (potassium voltage-gated channel subfamily H member 5; minus strand). Cytogenetic location: 14q23.2.
Variant type: single nucleotide variant.
Coding change: c.2632G>A on transcript NM_139318.5 (MANE Select); coding-DNA position 2632, G replaced by A.
Protein change: p.Ala878Thr; replaces alanine 878 with threonine.
Molecular consequence: missense variant. On other transcripts: 3 prime UTR variant (1).
Genome position (GRCh38, 1-based): chr14:62,707,843, C>T on the plus strand (G>A on the coding strand, the complement: KCNH5 is on the minus strand). VCF-style: chr14-62707843-C-T. GRCh37 (hg19) VCF-style: chr14-63174561-C-T.
Other names: c.*599G>A (NM_172375.3); short protein forms A878T.
Identifiers: ClinVar variation 461393 (VCV000461393.13), dbSNP rs376837885, ClinGen allele CA7217217.